The following is an entry in ClinVar:

ClinVar aggregate classification (germline): Uncertain significance (1 of 4 stars; one submission).

Conditions:
Perlman syndrome (PRLMNS). Identifiers: Orphanet 2849, MedGen C0796113, MONDO:0009965, OMIM 267000.

Submission:

Labcorp Genetics (formerly Invitae), Labcorp
Classification: Uncertain significance for Perlman syndrome. Last evaluated: 2022-02-11. Review status: criteria provided, single submitter. Criteria: Invitae Variant Classification Sherloc (09022015). Collection method: clinical testing. Allele origin: germline.
Comment: In summary, the available evidence is currently insufficient to determine the role of this variant in disease. Therefore, it has been classified as a Variant of Uncertain Significance. This variant has not been reported in the literature in individuals affected with DIS3L2-related conditions. This sequence change replaces tryptophan, which is neutral and slightly polar, with glycine, which is neutral and non-polar, at codon 361 of the DIS3L2 protein (p.Trp361Gly). This variant is not present in population databases (gnomAD no frequency). Algorithms developed to predict the effect of missense changes on protein structure and function are either unavailable or do not agree on the potential impact of this missense change (SIFT: "Deleterious"; PolyPhen-2: "Probably Damaging"; Align-GVGD: "Class C0").

NM_152383.5(DIS3L2):c.1081T>G (p.Trp361Gly)

Gene: DIS3L2 (DIS3 like 3'-5' exoribonuclease 2; plus strand). Cytogenetic location: 2q37.1.
Variant type: single nucleotide variant.
Coding change: c.1081T>G on transcript NM_152383.5 (MANE Select); coding-DNA position 1081, T replaced by G.
Protein change: p.Trp361Gly; replaces tryptophan 361 with glycine.
Molecular consequence: missense variant. On other transcripts: non-coding transcript variant (2).
Genome position (GRCh38, 1-based): chr2:232,163,589, T>G. VCF-style: chr2-232163589-T-G. GRCh37 (hg19) VCF-style: chr2-233028299-T-G.
Other names: c.1081T>G, p.Trp361Gly (NM_001257281.2); short protein forms W361G.
Identifiers: ClinVar variation 1507456 (VCV001507456.6), dbSNP rs2106377253, ClinGen allele CA351154438.